The following is an entry in ClinVar:

NM_001205293.3(CACNA1E):c.2577T>A (p.Asp859Glu)

Gene: CACNA1E (calcium voltage-gated channel subunit alpha1 E; plus strand). Cytogenetic location: 1q25.3.
Variant type: single nucleotide variant.
Coding change: c.2577T>A on transcript NM_001205293.3 (MANE Select); coding-DNA position 2577, T replaced by A.
Protein change: p.Asp859Glu; replaces aspartic acid 859 with glutamic acid.
Molecular consequence: missense variant.
Genome position (GRCh38, 1-based): chr1:181,732,663, T>A. VCF-style: chr1-181732663-T-A. GRCh37 (hg19) VCF-style: chr1-181701799-T-A.
Other names: p.Asp859Glu; c.2577T>A, p.Asp859Glu (NM_000721.4); c.2520T>A, p.Asp840Glu (NM_001205294.2); short protein forms D840E, D859E.
Identifiers: ClinVar variation 1234416 (VCV001234416.13), dbSNP rs35737760, ClinGen allele CA1275362.
Genomic context (GRCh38, chr1:181,732,663, plus strand): 5'-CCTGGCCCTGGAGAAGTTCGAGGAGGAGCGCATCAGCCGTGGGGGGTCCCTCAAGGGGGA[T>A]GGAGGGGACCGATCCAGTGCCCTGGACAACCAGAGGACCCCTTTGTCCCTGGGCCAGCGG-3'
Protein context (NP_001192222.1, residues 849-869): RISRGGSLKG[Asp859Glu]GGDRSSALDN

ClinVar aggregate classification (germline): Benign. Review status: criteria provided, multiple submitters, no conflicts (2 of 4 stars). 5 submissions from 5 submitters: Benign (5). Last evaluated 2026-02-03.

Conditions:
Developmental and epileptic encephalopathy, 69. Also called: EPILEPTIC ENCEPHALOPATHY, EARLY INFANTILE, 69. Identifiers: MedGen C4748988, MONDO:0032657, OMIM 618285.

Allele frequency attached by ClinVar (database versions not stated): gnomAD 0.12668 and 0.12919; gnomAD exomes 0.12678 and 0.12750; TOPMed 0.12793; 1000 Genomes Project 0.14996; 1000 Genomes Project 30x 0.14788; ESP Exome Variant Server 0.12786; ExAC 0.22414.
gnomAD v4.1: 193,880 of 1,517,230 alleles (13%); highest among the groups gnomAD compares: South Asian, 24%; 13,365 homozygotes.

Submissions (5):

Labcorp Genetics (formerly Invitae), Labcorp
Classification: Benign. Last evaluated: 2026-02-03. Review status: criteria provided, single submitter. Criteria: Invitae Variant Classification Sherloc (09022015). Collection method: clinical testing. Allele origin: germline.

Genome-Nilou Lab
Classification: Benign for Developmental and epileptic encephalopathy, 69. Last evaluated: 2023-04-11. Review status: criteria provided, single submitter. Criteria: ACMG Guidelines, 2015. Collection method: clinical testing. Allele origin: germline. Affected: no.

Mayo Clinic Laboratories, Mayo Clinic
Classification: Benign. Last evaluated: 2022-08-23. Review status: criteria provided, single submitter. Criteria: ACMG Guidelines, 2015. Collection method: clinical testing. Allele origin: germline. Observed: 51 variant alleles.
Comment: BA1, BP4

GeneDx
Classification: Benign. Last evaluated: 2020-10-05. Review status: criteria provided, single submitter. Criteria: GeneDx Variant Classification Process June 2021. Collection method: clinical testing. Allele origin: germline. Affected: yes.
Comment: This variant is associated with the following publications: (PMID: 28573794)

Breakthrough Genomics
Classification: Benign. Review status: criteria provided, single submitter. Criteria: ACMG Guidelines, 2015. Collection method: not provided. Allele origin: germline. Inheritance: Autosomal dominant inheritance. Affected: yes.